The following is an entry in ClinVar:

ClinVar aggregate classification (germline): Likely benign (1 of 4 stars; one submission).

Submission:

GeneDx
Classification: Likely benign. Last evaluated: 2026-02-24. Review status: criteria provided, single submitter. Criteria: GeneDx Variant Classification Process June 2021. Collection method: clinical testing. Allele origin: germline.
Comment: See Variant Classification Assertion Criteria.

NM_001330574.2(ZNF711):c.689C>T (p.Ser230Leu)

Gene: ZNF711 (ZFX family zinc finger ZNF711; plus strand). Cytogenetic location: Xq21.1.
Variant type: single nucleotide variant.
Coding change: c.689C>T on transcript NM_001330574.2 (MANE Select); coding-DNA position 689, C replaced by T.
Protein change: p.Ser230Leu; replaces serine 230 with leucine.
Molecular consequence: missense variant.
Genome position (GRCh38, 1-based): chrX:85,264,341, C>T. VCF-style: chrX-85264341-C-T. GRCh37 (hg19) VCF-style: chrX-84519347-C-T.
Other names: c.689C>T, p.Ser230Leu (NM_001375431.1, NM_001375432.1, NM_001375433.1 and 5 more transcripts); short protein forms S230L.
Identifiers: ClinVar variation 3360280 (VCV003360280.2).